The following is an entry in ClinVar:

NM_000257.4(MYH7):c.4709C>A (p.Ala1570Glu)

Genes: MHRT (myosin heavy chain associated RNA transcript; plus strand), MYH7 (myosin heavy chain 7; minus strand), LOC126861897 (BRD4-independent group 4 enhancer GRCh37_chr14:23884455-23885654; plus strand). Cytogenetic location: 14q11.2.
Variant type: single nucleotide variant.
Coding change: c.4709C>A on transcript NM_000257.4 (MANE Select); coding-DNA position 4709, C replaced by A.
Protein change: p.Ala1570Glu; replaces alanine 1570 with glutamic acid.
Molecular consequence: missense variant. On other transcripts: non-coding transcript variant (1).
Genome position (GRCh38, 1-based): chr14:23,416,248, G>T on the plus strand (C>A on the coding strand, the complement: MYH7 is on the minus strand). VCF-style: chr14-23416248-G-T. GRCh37 (hg19) VCF-style: chr14-23885457-G-T.
Other names: p.A1570E:GCA>GAA; c.4709C>A (LRG_384t1); short protein forms A1570E.
Identifiers: ClinVar variation 181264 (VCV000181264.23), dbSNP rs730880807, ClinGen allele CA015247.

ClinVar aggregate classification (germline): Uncertain significance. Review status: criteria provided, multiple submitters, no conflicts (2 of 4 stars). 5 submissions from 5 submitters: Uncertain significance (5). Last evaluated 2026-10-23.

Conditions:
Cardiovascular phenotype. Identifiers: MedGen CN230736.
Cardiomyopathy (CMYO). Also called: Cardiomyopathies. Identifiers: Orphanet 167848, MedGen C0878544, MONDO:0004994, HP:0001638. Inheritance: Various modes of inheritance.
Hypertrophic cardiomyopathy. Also called: HYPERTROPHIC MYOCARDIOPATHY. Identifiers: Orphanet 217569, MedGen C0007194, MeSH D002312, MONDO:0005045, HP:0001639.

Allele frequency attached by ClinVar (database versions not stated): ExAC 0.00002; TOPMed 0.00006; gnomAD exomes below 0.00001 and 0.00001; gnomAD 0.00006.
gnomAD v4.1: 13 of 1,613,592 alleles (0.00081%); highest among the groups gnomAD compares: African/African-American, 0.017%; no homozygotes.

Submissions (5):

GeneDx
Classification: Uncertain significance. Last evaluated: 2026-10-23. Review status: criteria provided, single submitter. Criteria: GeneDx Variant Classification Process June 2021. Collection method: clinical testing. Allele origin: germline.
Comment: Not observed at significant frequency in large population cohorts (gnomAD); In silico analysis suggests that this missense variant does not alter protein structure/function; Has not been previously published in association with cardiomyopathy to our knowledge; This variant is associated with the following publications: (PMID: 34542152)

Labcorp Genetics (formerly Invitae), Labcorp
Classification: Uncertain significance for Hypertrophic cardiomyopathy. Last evaluated: 2025-11-27. Review status: criteria provided, single submitter. Criteria: Invitae Variant Classification Sherloc (09022015). Collection method: clinical testing. Allele origin: germline.
Comment: This sequence change replaces alanine, which is neutral and non-polar, with glutamic acid, which is acidic and polar, at codon 1570 of the MYH7 protein (p.Ala1570Glu). This variant is present in population databases (rs730880807, gnomAD 0.02%). This variant has not been reported in the literature in individuals affected with MYH7-related conditions. ClinVar contains an entry for this variant (Variation ID: 181264). Invitae Evidence Modeling of protein sequence and biophysical properties (such as structural, functional, and spatial information, amino acid conservation, physicochemical variation, residue mobility, and thermodynamic stability) indicates that this missense variant is expected to disrupt MYH7 protein function with a positive predictive value of 95%. In summary, the available evidence is currently insufficient to determine the role of this variant in disease. Therefore, it has been classified as a Variant of Uncertain Significance.

Color Diagnostics, LLC DBA Color Health
Classification: Uncertain significance for Cardiomyopathy. Last evaluated: 2025-09-11. Review status: criteria provided, single submitter. Criteria: ACMG Guidelines, 2015. Collection method: clinical testing. Allele origin: germline.
Comment: This missense variant replaces alanine with glutamic acid at codon 1570 of the MYH7 protein. Computational prediction is inconclusive regarding the impact of this variant on protein structure and function. To our knowledge, functional studies have not been reported for this variant. This variant has not been reported in individuals affected with MYH7-related disorders in the literature. This variant has been identified in 4/282720 chromosomes in the general population by the Genome Aggregation Database (gnomAD). The available evidence is insufficient to determine the role of this variant in disease conclusively. Therefore, this variant is classified as a Variant of Uncertain Significance.

All of Us Research Program, National Institutes of Health
Classification: Uncertain significance for Cardiomyopathy. Last evaluated: 2024-04-16. Review status: criteria provided, single submitter. Criteria: ACMG Guidelines, 2015. Collection method: clinical testing. Allele origin: germline. Inheritance: Autosomal dominant inheritance. Observed: 4 variant alleles, 4 heterozygotes.
Comment: This missense variant replaces alanine with glutamic acid at codon 1570 of the MYH7 protein. Computational prediction is inconclusive regarding the impact of this variant on protein structure and function (internally defined REVEL score threshold 0.5 < inconclusive < 0.7, PMID: 27666373). To our knowledge, functional studies have not been reported for this variant. This variant has not been reported in individuals affected with MYH7-related disorders in the literature. This variant has been identified in 4/282720 chromosomes in the general population by the Genome Aggregation Database (gnomAD). The available evidence is insufficient to determine the role of this variant in disease conclusively. Therefore, this variant is classified as a Variant of Uncertain Significance.

This study involves interpretation of variants in research participants for the purpose of population health screening. Participant phenotype was not available at the time of variant classification. Additional details can be found in publication PMID: 35346344, PMCID: PMC8962531

Ambry Genetics
Classification: Uncertain significance for Cardiovascular phenotype. Last evaluated: 2023-06-14. Review status: criteria provided, single submitter. Criteria: Ambry Variant Classification Scheme 2023. Collection method: clinical testing. Allele origin: germline.
Comment: The p.A1570E variant (also known as c.4709C>A), located in coding exon 32 of the MYH7 gene, results from a C to A substitution at nucleotide position 4709. The alanine at codon 1570 is replaced by glutamic acid, an amino acid with dissimilar properties. This amino acid position is well conserved in available vertebrate species. In addition, the in silico prediction for this alteration is inconclusive. Since supporting evidence is limited at this time, the clinical significance of this alteration remains unclear.